The following is an entry in ClinVar:

ClinVar aggregate classification (germline): Pathogenic. Review status: criteria provided, multiple submitters, no conflicts (2 of 4 stars). 2 submissions from 2 submitters: Pathogenic (2). Last evaluated 2025-04-28.

Conditions:
Early-infantile DEE. Also called: Ohtahara syndrome; Early infantile epileptic encephalopathy; Early infantile epileptic encephalopathy with suppression bursts. Identifiers: Orphanet 1934, MedGen C0393706, MONDO:0800491.

Submissions (2):

GeneDx
Classification: Pathogenic. Last evaluated: 2025-04-28. Review status: criteria provided, single submitter. Criteria: GeneDx Variant Classification Process June 2021. Collection method: clinical testing. Allele origin: germline. Affected: yes.
Comment: Not observed at significant frequency in large population cohorts (gnomAD); Nonsense variant predicted to result in protein truncation or nonsense mediated decay in a gene for which loss of function is a known mechanism of disease; This variant is associated with the following publications: (PMID: 38693247, 35982159, 33057194, 32651551)

Labcorp Genetics (formerly Invitae), Labcorp
Classification: Pathogenic for Early-infantile DEE. Last evaluated: 2023-07-31. Review status: criteria provided, single submitter. Criteria: Invitae Variant Classification Sherloc (09022015). Collection method: clinical testing. Allele origin: germline.
Comment: This sequence change creates a premature translational stop signal (p.Arg931*) in the SCN8A gene. It is expected to result in an absent or disrupted protein product. Loss-of-function variants in SCN8A are known to be pathogenic (PMID: 19254928, 32651551). This variant is not present in population databases (gnomAD no frequency). For these reasons, this variant has been classified as Pathogenic. Algorithms developed to predict the effect of sequence changes on RNA splicing suggest that this variant may disrupt the consensus splice site. This premature translational stop signal has been observed in individual(s) with SCN8A-related conditions (PMID: 32651551).

Literature cited by the submitters: PubMed 19254928 (cited by Labcorp Genetics (formerly Invitae), Labcorp); PubMed 32651551 (cited by Labcorp Genetics (formerly Invitae), Labcorp).

NM_001330260.2(SCN8A):c.2791C>T (p.Arg931Ter)

Gene: SCN8A (sodium voltage-gated channel alpha subunit 8; plus strand). Cytogenetic location: 12q13.13.
Variant type: single nucleotide variant.
Coding change: c.2791C>T on transcript NM_001330260.2 (MANE Select); coding-DNA position 2791, C replaced by T.
Protein change: p.Arg931Ter; replaces arginine 931 with a stop codon.
Molecular consequence: nonsense.
Genome position (GRCh38, 1-based): chr12:51,765,917, C>T. VCF-style: chr12-51765917-C-T. GRCh37 (hg19) VCF-style: chr12-52159701-C-T.
Other names: c.2791C>T, p.Arg931Ter (NM_001177984.3, NM_001369788.1, NM_014191.4); c.2791C>T (NM_014191.3); short protein forms R931*.
Identifiers: ClinVar variation 2780249 (VCV002780249.4), dbSNP rs1555225831, ClinGen allele CA384888884.
Genomic context (GRCh38, chr12:51,765,917, plus strand): 5'-GACTGTGAACTCCCTCGCTGGCATATGCATGACTTTTTCCATTCCTTCCTCATTGTCTTT[C>T]GAGTGTTGTGCGGGGAGTGGATTGAGACCATGTGGGACTGCATGGAAGTGGCAGGCCAGG-3'